The following is an entry in ClinVar:

NM_080546.5(SLC44A1):c.1930T>G (p.Ser644Ala)

Gene: SLC44A1 (solute carrier family 44 member 1; plus strand). Cytogenetic location: 9q31.1.
Variant type: single nucleotide variant.
Coding change: c.1930T>G on transcript NM_080546.5 (MANE Select); coding-DNA position 1930, T replaced by G.
Protein change: p.Ser644Ala; replaces serine 644 with alanine.
Molecular consequence: missense variant.
Genome position (GRCh38, 1-based): chr9:105,385,482, T>G. VCF-style: chr9-105385482-T-G. GRCh37 (hg19) VCF-style: chr9-108147763-T-G.
Other names: p.Ser644Ala; c.1930T>G, p.Ser644Ala (NM_001286730.2, NM_001330731.2); short protein forms S644A.
Identifiers: ClinVar variation 3057187 (VCV003057187.3), dbSNP rs3199966, ClinGen allele CA5170041.
Genomic context (GRCh38, chr9:105,385,482, plus strand): 5'-GAGTTTGTGGAAAACAGTAGGAAAGCAATGAAAGAAGCTGGTAAGGGAGGCGTCGCTGAT[T>G]CCAGAGAGCTAAAGCCGATGGTAGGTGGAGATGAGGAGGTGGCCGCCCTCCAAGAATTTC-3'
Protein context (NP_536856.2, residues 634-654): KEAGKGGVAD[Ser644Ala]RELKPMASGA

ClinVar aggregate classification (germline): Benign. Review status: criteria provided, single submitter (1 of 4 stars). 2 submissions from 2 submitters: Benign (1). 1 of the submissions does not count toward it. Last evaluated 2022-03-24.

Conditions:
SLC44A1-related disorder. Also called: SLC44A1-related condition.

Allele frequency attached by ClinVar (database versions not stated): gnomAD 0.18199; 1000 Genomes Project 30x 0.20050; gnomAD exomes 0.09996; ESP Exome Variant Server 0.19403; TOPMed 0.19886; ExAC 0.18889; 1000 Genomes Project 0.19189.
gnomAD v4.1: 170,588 of 1,579,182 alleles (11%); highest among the groups gnomAD compares: African/African-American, 43%; 13,981 homozygotes.

Submissions (2):

Mayo Clinic Laboratories, Mayo Clinic
Classification: Benign. Last evaluated: 2022-03-24. Review status: criteria provided, single submitter. Criteria: ACMG Guidelines, 2015. Collection method: clinical testing. Allele origin: germline. Observed: 115 variant alleles.

PreventionGenetics, part of Exact Sciences
Classification: Benign for SLC44A1-related condition. Last evaluated: 2024-02-21. Review status: no assertion criteria provided. Collection method: clinical testing. Allele origin: germline. Not counted in ClinVar's aggregate classification.
Comment: This variant is classified as benign based on ACMG/AMP sequence variant interpretation guidelines (Richards et al. 2015 PMID: 25741868, with internal and published modifications).